The following is an entry in ClinVar:

ClinVar aggregate classification (germline): Pathogenic/Likely pathogenic. Review status: criteria provided, multiple submitters, no conflicts (2 of 4 stars). 2 submissions from 2 submitters: Pathogenic (1); Likely pathogenic (1). Last evaluated 2025-05-03.

Conditions:
Nemaline myopathy 2 (NEM2). Also called: Nemaline myopathy 2, autosomal recessive. Identifiers: MedGen C1850569, MONDO:0009725, OMIM 256030.
Arthrogryposis multiplex congenita 6. Identifiers: MedGen C5543431, MONDO:0030281, OMIM 619334.

Submissions (2):

Myriad Genetics, Inc.
Classification: Pathogenic for Nemaline myopathy 2. Last evaluated: 2025-05-03. Review status: criteria provided, single submitter. Criteria: Myriad Autosomal Dominant, Autosomal Recessive and X-Linked Classification Criteria (2023). Collection method: clinical testing. Allele origin: unknown.
Comment: NM_001271208.1(NEB):c.6759_6760insG(T2254Dfs*15) is expected to be pathogenic in the context of NEB-related nemaline myopathy. This variant is predicted to lead to an abnormal or absent protein product due to the creation of a premature termination codon in NEB, a gene where loss-of-function variants are known to be pathogenic. Please note: this variant was assessed in the context of healthy population screening.

Fulgent Genetics
Classification: Likely pathogenic for Nemaline myopathy 2; Arthrogryposis multiplex congenita 6. Last evaluated: 2024-01-09. Review status: criteria provided, single submitter. Criteria: ACMG Guidelines, 2015. Collection method: clinical testing. Allele origin: germline.

NM_001164508.2(NEB):c.6759_6760insG (p.Thr2254fs)

Gene: NEB (nebulin; minus strand). Cytogenetic location: 2q23.3.
Variant type: Insertion.
Coding change: c.6759_6760insG on transcript NM_001164508.2 (MANE Select); coding-DNA positions 6759 to 6760, G inserted.
Protein change: p.Thr2254fs; shifts the reading frame from threonine 2254.
Molecular consequence: frameshift variant.
Genome position: GRCh38 VCF-style: chr2-151655317-T-TC. GRCh37 (hg19) VCF-style: chr2-152511831-T-TC.
Other names: c.6759_6760insG, p.Thr2254fs (NM_001164507.2, NM_001271208.2, NM_004543.5); short protein forms T2254fs.
Identifiers: ClinVar variation 3584446 (VCV003584446.2).